The following is an entry in ClinVar:

NM_001010898.4(SLC6A17):c.379G>A (p.Gly127Ser)

Gene: SLC6A17 (solute carrier family 6 member 17; plus strand). Cytogenetic location: 1p13.3.
Variant type: single nucleotide variant.
Coding change: c.379G>A on transcript NM_001010898.4 (MANE Select); coding-DNA position 379, G replaced by A.
Protein change: p.Gly127Ser; replaces glycine 127 with serine.
Molecular consequence: missense variant.
Genome position (GRCh38, 1-based): chr1:110,172,152, G>A. VCF-style: chr1-110172152-G-A. GRCh37 (hg19) VCF-style: chr1-110714774-G-A.
Other names: short protein forms G127S.
Identifiers: ClinVar variation 5019826 (VCV005019826.2).

ClinVar aggregate classification (germline): Uncertain significance (1 of 4 stars; one submission).

Conditions:
Intellectual developmental disorder, autosomal recessive 48. Also called: Progressive essential tremor-speech impairment-facial dysmorphism-intellectual disability-abnormal behavior syndrome. Identifiers: Orphanet 457212, MedGen C4225395, MONDO:0014559, OMIM 616269.

gnomAD v4.1: 33 of 1,613,016 alleles (0.002%); highest among the groups gnomAD compares: East Asian, 0.016%; no homozygotes.

Submission:

Juno Genomics, Hangzhou Juno Genomics, Inc
Classification: Uncertain significance for Intellectual developmental disorder, autosomal recessive 48. Review status: criteria provided, single submitter. Criteria: ACMG Guidelines, 2015. Collection method: clinical testing. Allele origin: germline.
Comment: Absent from controls (or at extremely low frequency if recessive) in Genome Aggregation Database.;Multiple lines of computational evidence support a deleterious effect on the gene or gene product.;Missense variant in a gene that has a low rate of benign missense variation.